The following is an entry in ClinVar:

NM_003072.5(SMARCA4):c.1083C>T (p.Leu361=)

Gene: SMARCA4 (SWI/SNF related BAF chromatin remodeling complex subunit ATPase 4; plus strand). Cytogenetic location: 19p13.2.
Variant type: single nucleotide variant.
Coding change: c.1083C>T on transcript NM_003072.5 (MANE Select); coding-DNA position 1083, C replaced by T.
Protein change: p.Leu361=; no amino-acid change (leucine 361 retained).
Molecular consequence: synonymous variant. On other transcripts: non-coding transcript variant (1).
Genome position (GRCh38, 1-based): chr19:10,987,889, C>T. VCF-style: chr19-10987889-C-T. GRCh37 (hg19) VCF-style: chr19-11098565-C-T.
Other names: c.1083C>T, p.Leu361= (NM_001128844.3, NM_001128845.2, NM_001128846.2 and 5 more transcripts).
Identifiers: ClinVar variation 238360 (VCV000238360.21), dbSNP rs191312392, ClinGen allele CA9203667.

ClinVar aggregate classification (germline): Benign/Likely benign. Review status: criteria provided, multiple submitters, no conflicts (2 of 4 stars). 5 submissions from 5 submitters: Benign (1); Likely benign (4). Last evaluated 2026-07-09.

Conditions:
Hereditary cancer-predisposing syndrome. Also called: Hereditary Cancer Syndrome; Tumor predisposition; Hereditary neoplastic syndrome; Neoplastic Syndromes, Hereditary. Identifiers: Orphanet 140162, MedGen C0027672, MeSH D009386, MONDO:0015356.
Rhabdoid tumor predisposition syndrome 2 (RTPS2). Identifiers: Orphanet 231108, Orphanet 69077, MedGen C2750074, MONDO:0013224, OMIM 613325.

Allele frequency attached by ClinVar (database versions not stated): gnomAD 0.00006 and 0.00008; ExAC 0.00006; 1000 Genomes Project 0.00060; 1000 Genomes Project 30x 0.00062; TOPMed 0.00008; gnomAD exomes 0.00005 and 0.00002; ESP Exome Variant Server 0.00008.
gnomAD v4.1: 41 of 1,613,072 alleles (0.0025%); highest among the groups gnomAD compares: African/African-American, 0.031%; no homozygotes.

Submissions (5):

Myriad Genetics, Inc.
Classification: Benign for Rhabdoid tumor predisposition syndrome 2. Last evaluated: 2026-07-09. Review status: criteria provided, single submitter. Criteria: Myriad Autosomal Dominant, Autosomal Recessive and X-Linked Classification Criteria (2023). Collection method: clinical testing. Allele origin: unknown.
Comment: This variant is considered benign. This variant is a silent/synonymous amino acid change and it is not expected to impact splicing.

Labcorp Genetics (formerly Invitae), Labcorp
Classification: Likely benign for Rhabdoid tumor predisposition syndrome 2. Last evaluated: 2026-01-16. Review status: criteria provided, single submitter. Criteria: Invitae Variant Classification Sherloc (09022015). Collection method: clinical testing. Allele origin: germline.

Sema4
Classification: Likely benign for Hereditary cancer-predisposing syndrome. Last evaluated: 2021-05-26. Review status: criteria provided, single submitter. Criteria: Sema4 Curation Guidelines. Collection method: curation. Allele origin: germline.

GeneDx
Classification: Likely benign. Last evaluated: 2021-03-12. Review status: criteria provided, single submitter. Criteria: GeneDx Variant Classification Process June 2021. Collection method: clinical testing. Allele origin: germline. Affected: yes.

Ambry Genetics
Classification: Likely benign for Hereditary cancer-predisposing syndrome. Last evaluated: 2015-12-15. Review status: criteria provided, single submitter. Criteria: Ambry Variant Classification Scheme 2023. Collection method: clinical testing. Allele origin: germline.